The following is an entry in ClinVar:

NM_000057.4(BLM):c.1220+2T>C

Gene: BLM (BLM RecQ like helicase; plus strand). Cytogenetic location: 15q26.1.
Variant type: single nucleotide variant.
Coding change: c.1220+2T>C on transcript NM_000057.4 (MANE Select); the canonical splice donor site of the intron after coding-DNA position 1220, T replaced by C.
Molecular consequence: splice donor variant.
Genome position (GRCh38, 1-based): chr15:90,760,281, T>C. VCF-style: chr15-90760281-T-C. GRCh37 (hg19) VCF-style: chr15-91303511-T-C.
Other names: c.1220+2T>C (NM_001287246.2, NM_001287247.2); c.95+2T>C (NM_001287248.2).
Identifiers: ClinVar variation 2102271 (VCV002102271.5), dbSNP rs1369220541, ClinGen allele CA393842582.

ClinVar aggregate classification (germline): Likely pathogenic. Review status: criteria provided, multiple submitters, no conflicts (2 of 4 stars). 2 submissions from 2 submitters: Likely pathogenic (2). Last evaluated 2025-06-13.

Conditions:
Bloom syndrome (BLM). Also called: Bloom-Torre-Machacek syndrome. Identifiers: Orphanet 125, MedGen C0005859, MONDO:0008876, OMIM 210900.
BLM-related disorder. Also called: BLM-related condition.

Allele frequency attached by ClinVar (database versions not stated): gnomAD exomes 0.00001.
gnomAD v4.1: 19 of 1,614,014 alleles (0.0012%); highest among the groups gnomAD compares: Non-Finnish European, 0.0016%; no homozygotes.

Submissions (2):

Labcorp Genetics (formerly Invitae), Labcorp
Classification: Likely pathogenic for Bloom syndrome. Last evaluated: 2025-06-13. Review status: criteria provided, single submitter. Criteria: Invitae Variant Classification Sherloc (09022015). Collection method: clinical testing. Allele origin: germline.
Comment: This sequence change affects a donor splice site in intron 6 of the BLM gene. RNA analysis indicates that disruption of this splice site induces altered splicing and may result in an absent or altered protein product. This variant is present in population databases (no rsID available, gnomAD 0.03%). This variant has not been reported in the literature in individuals affected with BLM-related conditions. ClinVar contains an entry for this variant (Variation ID: 2102271). Studies have shown that disruption of this splice site results in skipping of exon 6, and produces a non-functional protein and/or introduces a premature termination codon (internal data). In summary, the currently available evidence indicates that the variant is pathogenic, but additional data are needed to prove that conclusively. Therefore, this variant has been classified as Likely Pathogenic.

Blueprint Genetics
Classification: Likely pathogenic for BLM-related disorders. Last evaluated: 2023-05-30. Review status: criteria provided, single submitter. Criteria: ACMG Guidelines, 2015. Collection method: clinical testing. Allele origin: germline. Affected: yes. Observed: 2 variant alleles.